The following is an entry in ClinVar:

ClinVar aggregate classification (germline): Uncertain significance (1 of 4 stars; one submission).

gnomAD v4.1: 5 of 1,612,522 alleles (0.00031%); highest among the groups gnomAD compares: African/African-American, 0.0013%; no homozygotes.

Submission:

Labcorp Genetics (formerly Invitae), Labcorp
Classification: Uncertain significance. Last evaluated: 2024-12-25. Review status: criteria provided, single submitter. Criteria: Invitae Variant Classification Sherloc (09022015). Collection method: clinical testing. Allele origin: germline.
Comment: This sequence change replaces glutamic acid, which is acidic and polar, with lysine, which is basic and polar, at codon 1599 of the ZDBF2 protein (p.Glu1599Lys). This variant is not present in population databases (gnomAD no frequency). This variant has not been reported in the literature in individuals affected with ZDBF2-related conditions. An algorithm developed to predict the effect of missense changes on protein structure and function outputs the following: PolyPhen-2: "Benign". The lysine amino acid residue is found in multiple mammalian species, which suggests that this missense change does not adversely affect protein function. In summary, the available evidence is currently insufficient to determine the role of this variant in disease. Therefore, it has been classified as a Variant of Uncertain Significance.

NM_020923.3(ZDBF2):c.4795G>A (p.Glu1599Lys)

Gene: ZDBF2 (zinc finger DBF-type containing 2; plus strand). Cytogenetic location: 2q33.3.
Variant type: single nucleotide variant.
Coding change: c.4795G>A on transcript NM_020923.3 (MANE Select); coding-DNA position 4795, G replaced by A.
Protein change: p.Glu1599Lys; replaces glutamic acid 1599 with lysine.
Molecular consequence: missense variant.
Genome position (GRCh38, 1-based): chr2:206,309,323, G>A. VCF-style: chr2-206309323-G-A. GRCh37 (hg19) VCF-style: chr2-207174047-G-A.
Other names: c.4789G>A, p.Glu1597Lys (NM_001285549.2); c.4795G>A, p.Glu1599Lys (NM_001369654.1); short protein forms E1597K, E1599K.
Identifiers: ClinVar variation 3620655 (VCV003620655.2).
Genomic context (GRCh38, chr2:206,309,323, plus strand): 5'-GGTTCTGAAGTCAGATGTAATTGTAAAGCCTCTACTCCCTCAATGACAAACCAATGCAAA[G>A]AGACTTTCAAAATAATAAACCGGAAGAAGGACTATATTATTCTGGGAGAGCCAAGTTGTC-3'
Protein context (NP_065974.1, residues 1589-1609): STPSMTNQCK[Glu1599Lys]TFKIINRKKD